The following is an entry in ClinVar:

NM_001458.5(FLNC):c.3178C>G (p.Pro1060Ala)

Gene: FLNC (filamin C; plus strand). Cytogenetic location: 7q32.1.
Variant type: single nucleotide variant.
Coding change: c.3178C>G on transcript NM_001458.5 (MANE Select); coding-DNA position 3178, C replaced by G.
Protein change: p.Pro1060Ala; replaces proline 1060 with alanine.
Molecular consequence: missense variant.
Genome position (GRCh38, 1-based): chr7:128,844,252, C>G. VCF-style: chr7-128844252-C-G. GRCh37 (hg19) VCF-style: chr7-128484306-C-G.
Other names: c.3178C>G, p.Pro1060Ala (NM_001127487.2); c.3178C>G (NM_001458.4); short protein forms P1060A.
Identifiers: ClinVar variation 1474970 (VCV001474970.10), dbSNP rs2128936236, ClinGen allele CA369194756.
Genomic context (GRCh38, chr7:128,844,252, plus strand): 5'-ATCACCTACGATGGTCACCCGGTGCCTGGCAGCCCGTTTGCTGTGGAGGGTGTCCTGCCC[C>G]CTGATCCCTCCAAGGTGAGGAGATAGGAGCTGGTTGGGGCTGGGAGTTGGGGACTTGTTG-3'
Protein context (NP_001449.3, residues 1050-1070): SPFAVEGVLP[Pro1060Ala]DPSKVCAYGP

ClinVar aggregate classification (germline): Uncertain significance. Review status: criteria provided, multiple submitters, no conflicts (2 of 4 stars). 2 submissions from 2 submitters: Uncertain significance (2). Last evaluated 2024-12-28.

Conditions:
Distal myopathy with posterior leg and anterior hand involvement. Also called: WILLIAMS DISTAL MYOPATHY. Identifiers: Orphanet 63273, MedGen C3279722, MONDO:0013550, OMIM 614065.
Dilated Cardiomyopathy, Dominant.
Hypertrophic cardiomyopathy 26. Also called: Cardiomyopathy, familial hypertrophic, 26. Identifiers: Orphanet 75249, MedGen C4310749, MONDO:0014883, OMIM 617047.
Myofibrillar myopathy 5. Also called: FILAMINOPATHY, AUTOSOMAL DOMINANT; Filaminopathy (type). Identifiers: Orphanet 171445, MedGen C1836050, MONDO:0012289, OMIM 609524.
Cardiovascular phenotype. Identifiers: MedGen CN230736.

Allele frequency attached by ClinVar (database versions not stated): gnomAD exomes below 0.00001.
gnomAD v4.1: 4 of 1,608,234 alleles (0.00025%); highest among the groups gnomAD compares: Non-Finnish European, 0.00034%; no homozygotes.

Submissions (2):

Labcorp Genetics (formerly Invitae), Labcorp
Classification: Uncertain significance for Distal myopathy with posterior leg and anterior hand involvement; Myofibrillar myopathy 5; Hypertrophic cardiomyopathy 26. Last evaluated: 2024-12-28. Review status: criteria provided, single submitter. Criteria: Invitae Variant Classification Sherloc (09022015). Collection method: clinical testing. Allele origin: germline.
Comment: This sequence change replaces proline, which is neutral and non-polar, with alanine, which is neutral and non-polar, at codon 1060 of the FLNC protein (p.Pro1060Ala). This variant is not present in population databases (gnomAD no frequency). This variant has not been reported in the literature in individuals affected with FLNC-related conditions. ClinVar contains an entry for this variant (Variation ID: 1474970). Invitae Evidence Modeling of protein sequence and biophysical properties (such as structural, functional, and spatial information, amino acid conservation, physicochemical variation, residue mobility, and thermodynamic stability) has been performed for this missense variant. However, the output from this modeling did not meet the statistical confidence thresholds required to predict the impact of this variant on FLNC protein function. In summary, the available evidence is currently insufficient to determine the role of this variant in disease. Therefore, it has been classified as a Variant of Uncertain Significance.

Ambry Genetics
Classification: Uncertain significance for Cardiovascular phenotype. Last evaluated: 2024-10-19. Review status: criteria provided, single submitter. Criteria: Ambry Variant Classification Scheme 2023. Collection method: clinical testing. Allele origin: germline.
Comment: The p.P1060A variant (also known as c.3178C>G), located in coding exon 20 of the FLNC gene, results from a C to G substitution at nucleotide position 3178. The proline at codon 1060 is replaced by alanine, an amino acid with highly similar properties. This amino acid position is conserved. In addition, this alteration is predicted to be tolerated by in silico analysis. Based on the available evidence, the clinical significance of this variant remains unclear.